The following is an entry in ClinVar:

NM_012210.4(TRIM32):c.1434G>T (p.Leu478Phe)

Genes: ASTN2 (astrotactin 2; minus strand), TRIM32 (tripartite motif containing 32; plus strand). Cytogenetic location: 9q33.1.
Variant type: single nucleotide variant.
Coding change: c.1434G>T on transcript NM_012210.4 (MANE Select); coding-DNA position 1434, G replaced by T.
Protein change: p.Leu478Phe; replaces leucine 478 with phenylalanine.
Molecular consequence: missense variant. On other transcripts: intron variant (3).
Genome position (GRCh38, 1-based): chr9:116,699,176, G>T. VCF-style: chr9-116699176-G-T. GRCh37 (hg19) VCF-style: chr9-119461455-G-T.
Other names: c.1434G>T, p.Leu478Phe (NM_001099679.2, NM_001379048.1, NM_001379049.1 and 1 more transcripts); c.2653+26595C>A (NM_014010.5); c.2794+26595C>A (NM_001365069.1); c.2806+26595C>A (NM_001365068.1); short protein forms L478F.
Identifiers: ClinVar variation 1957034 (VCV001957034.2), dbSNP rs1169803144, ClinGen allele CA374651681.

ClinVar aggregate classification (germline): Uncertain significance (1 of 4 stars; one submission).

Conditions:
Bardet-Biedl syndrome (BBS). Identifiers: Orphanet 110, MedGen C0752166, MONDO:0015229.

Allele frequency attached by ClinVar (database versions not stated): gnomAD exomes below 0.00001.
gnomAD v4.1: 2 of 1,614,242 alleles (0.00012%); highest among the groups gnomAD compares: Non-Finnish European, 0.00017%; no homozygotes.

Submission:

Labcorp Genetics (formerly Invitae), Labcorp
Classification: Uncertain significance for Bardet-Biedl syndrome. Last evaluated: 2022-10-04. Review status: criteria provided, single submitter. Criteria: Invitae Variant Classification Sherloc (09022015). Collection method: clinical testing. Allele origin: germline.
Comment: This sequence change replaces leucine, which is neutral and non-polar, with phenylalanine, which is neutral and non-polar, at codon 478 of the TRIM32 protein (p.Leu478Phe). This variant is not present in population databases (gnomAD no frequency). This variant has not been reported in the literature in individuals affected with TRIM32-related conditions. Algorithms developed to predict the effect of missense changes on protein structure and function are either unavailable or do not agree on the potential impact of this missense change (SIFT: "Tolerated"; PolyPhen-2: "Possibly Damaging"; Align-GVGD: "Class C0"). In summary, the available evidence is currently insufficient to determine the role of this variant in disease. Therefore, it has been classified as a Variant of Uncertain Significance.